The following is an entry in ClinVar:

ClinVar aggregate classification (germline): Uncertain significance (1 of 4 stars; one submission).

Conditions:
Gnathodiaphyseal dysplasia (GDD). Also called: GNATHODIAPHYSEAL SCLEROSIS; OSTEOGENESIS IMPERFECTA WITH UNUSUAL SKELETAL LESIONS. Identifiers: Orphanet 53697, MedGen C1833736, MONDO:0008151, OMIM 166260.
Autosomal recessive limb-girdle muscular dystrophy type 2L (LGMDR12). Also called: Limb-girdle muscular dystrophy, type 2L; MUSCULAR DYSTROPHY, LIMB-GIRDLE, AUTOSOMAL RECESSIVE 12; Limb-Girdle Muscular Dystrophy R12 Anoctamin-5-Related (LGMD-R12). Identifiers: Orphanet 206549, MedGen C1969785, MONDO:0012652, OMIM 611307.

Submission:

Labcorp Genetics (formerly Invitae), Labcorp
Classification: Uncertain significance for Autosomal recessive limb-girdle muscular dystrophy type 2L; Gnathodiaphyseal dysplasia. Last evaluated: 2022-05-16. Review status: criteria provided, single submitter. Criteria: Invitae Variant Classification Sherloc (09022015). Collection method: clinical testing. Allele origin: germline.
Comment: In summary, the available evidence is currently insufficient to determine the role of this variant in disease. Therefore, it has been classified as a Variant of Uncertain Significance. This sequence change replaces threonine, which is neutral and polar, with arginine, which is basic and polar, at codon 368 of the ANO5 protein (p.Thr368Arg). This variant is not present in population databases (gnomAD no frequency). This variant has not been reported in the literature in individuals affected with ANO5-related conditions. Advanced modeling of protein sequence and biophysical properties (such as structural, functional, and spatial information, amino acid conservation, physicochemical variation, residue mobility, and thermodynamic stability) performed at Invitae indicates that this missense variant is expected to disrupt ANO5 protein function.

NM_213599.3(ANO5):c.1103C>G (p.Thr368Arg)

Gene: ANO5 (anoctamin 5; plus strand). Cytogenetic location: 11p14.3.
Variant type: single nucleotide variant.
Coding change: c.1103C>G on transcript NM_213599.3 (MANE Select); coding-DNA position 1103, C replaced by G.
Protein change: p.Thr368Arg; replaces threonine 368 with arginine.
Molecular consequence: missense variant.
Genome position (GRCh38, 1-based): chr11:22,250,830, C>G. VCF-style: chr11-22250830-C-G. GRCh37 (hg19) VCF-style: chr11-22272376-C-G.
Other names: c.1100C>G, p.Thr367Arg (NM_001142649.2); c.1061C>G, p.Thr354Arg (NM_001410963.1); c.1058C>G, p.Thr353Arg (NM_001410964.1); short protein forms T353R, T367R, T368R, T354R.
Identifiers: ClinVar variation 2126401 (VCV002126401.4), dbSNP rs760792371, ClinGen allele CA379921146.
Genomic context (GRCh38, chr11:22,250,830, plus strand): 5'-GTCAGATGATCATGTGCCCACTCTGTGATCAAGTGTGTGATTATTGGAGACTAAATAGTA[C>G]GTGTTTGGCTTCAAAGGTATGTATGCATTGTAACATGTTGAAAAGACTTGGAATTTTCCT-3'
Protein context (NP_998764.1, residues 358-378): QVCDYWRLNS[Thr368Arg]CLASKFSHLF